The following is an entry in ClinVar:

ClinVar aggregate classification (germline): Likely benign. Review status: criteria provided, multiple submitters, no conflicts (2 of 4 stars). 3 submissions from 3 submitters: Likely benign (3). Last evaluated 2026-01-15.

Conditions:
Hypertrophic cardiomyopathy. Also called: HYPERTROPHIC MYOCARDIOPATHY. Identifiers: Orphanet 217569, MedGen C0007194, MeSH D002312, MONDO:0005045, HP:0001639.

Allele frequency attached by ClinVar (database versions not stated): gnomAD exomes 0.00012 and 0.00043; ExAC 0.00013; TOPMed 0.00094; 1000 Genomes Project 0.00100; gnomAD 0.00111 and 0.00116; 1000 Genomes Project 30x 0.00141.
gnomAD v4.1: 343 of 1,613,812 alleles (0.021%); highest among the groups gnomAD compares: Admixed American, 0.51%; 1 homozygote.

Submissions (3):

Labcorp Genetics (formerly Invitae), Labcorp
Classification: Likely benign for Hypertrophic cardiomyopathy. Last evaluated: 2026-01-15. Review status: criteria provided, single submitter. Criteria: Invitae Variant Classification Sherloc (09022015). Collection method: clinical testing. Allele origin: germline.

Laboratory for Molecular Medicine, Mass General Brigham Personalized Medicine
Classification: Likely benign. Last evaluated: 2015-09-09. Review status: criteria provided, single submitter. Criteria: LMM Criteria. Collection method: clinical testing. Allele origin: germline. Observed: 1 variant allele.
Comment: p.Arg651Gln in exon 14 of MYOM1: This variant is not expected to have clinical s ignificance due to a lack of conservation across species, including mammals. Of note, >10 mammals have a glutamine (Gln) at this position despite high nearby am ino acid conservation. It has been identified in 0.13% (15/11558) of Latino chro mosomes by the Exome Aggregation Consortium (ExAC, g/; dbSNP rs184721031).

Breakthrough Genomics
Classification: Likely benign. Review status: criteria provided, single submitter. Criteria: ACMG Guidelines, 2015. Collection method: not provided. Allele origin: germline. Inheritance: Unknown mechanism. Affected: yes.

NM_003803.4(MYOM1):c.1952G>A (p.Arg651Gln)

Gene: MYOM1 (myomesin 1; minus strand). Cytogenetic location: 18p11.31.
Variant type: single nucleotide variant.
Coding change: c.1952G>A on transcript NM_003803.4 (MANE Select); coding-DNA position 1952, G replaced by A.
Protein change: p.Arg651Gln; replaces arginine 651 with glutamine.
Molecular consequence: missense variant.
Genome position (GRCh38, 1-based): chr18:3,142,012, C>T on the plus strand (G>A on the coding strand, the complement: MYOM1 is on the minus strand). VCF-style: chr18-3142012-C-T. GRCh37 (hg19) VCF-style: chr18-3142010-C-T.
Other names: c.1952G>A, p.Arg651Gln (NM_019856.2); short protein forms R651Q.
Identifiers: ClinVar variation 227693 (VCV000227693.17), dbSNP rs184721031, ClinGen allele CA8874788.